The following is an entry in ClinVar:

ClinVar aggregate classification (germline): Likely pathogenic (1 of 4 stars; one submission).

Conditions:
Diabetes mellitus, permanent neonatal 3. Also called: ABCC8-Related Permanent Neonatal Diabetes Mellitus. Identifiers: MedGen C5394303, MONDO:0030088, OMIM 618857.

Submission:

Foundation for Research in Genetics and Endocrinology, FRIGE's Institute of Human Genetics
Classification: Likely pathogenic for Diabetes mellitus, permanent neonatal 3. Last evaluated: 2025-10-25. Review status: criteria provided, single submitter. Criteria: ACMG Guidelines, 2015. Collection method: clinical testing. Allele origin: germline. Inheritance: Autosomal recessive inheritance. Affected: yes. Observed: 1 variant allele, 1 homozygote.
Comment: A homozygous deletion of exon 13 of the ABCC8 gene was detected. In summary, the variant meets our criteria to be classified as likely pathogenic.

NC_000011.9:g.(17426890_17450368)del

Gene: ABCC8 (ATP binding cassette subfamily C member 8; minus strand).
Variant type: Deletion.
Identifiers: ClinVar variation 4880240 (VCV004880240.1).